The following is an entry in ClinVar:

ClinVar aggregate classification (germline): Uncertain significance (1 of 4 stars; one submission).

Conditions:
RASopathy. Also called: rasopathies; Noonan spectrum disorder. Identifiers: Orphanet 536391, MedGen C5555857, MONDO:0021060.

Submission:

Labcorp Genetics (formerly Invitae), Labcorp
Classification: Uncertain significance for RASopathy. Last evaluated: 2024-04-05. Review status: criteria provided, single submitter. Criteria: Invitae Variant Classification Sherloc (09022015). Collection method: clinical testing. Allele origin: germline.
Comment: This sequence change falls in intron 10 of the RAF1 gene. It does not directly change the encoded amino acid sequence of the RAF1 protein. This variant is not present in population databases (gnomAD no frequency). This variant has not been reported in the literature in individuals affected with RAF1-related conditions. ClinVar contains an entry for this variant (Variation ID: 2194312). Algorithms developed to predict the effect of sequence changes on RNA splicing suggest that this variant may create or strengthen a splice site. In summary, the available evidence is currently insufficient to determine the role of this variant in disease. Therefore, it has been classified as a Variant of Uncertain Significance.

NM_002880.4(RAF1):c.1109-10A>G

Gene: RAF1 (Raf-1 proto-oncogene, serine/threonine kinase; minus strand). Cytogenetic location: 3p25.2.
Variant type: single nucleotide variant.
Coding change: c.1109-10A>G on transcript NM_002880.4 (MANE Select); 10 bases into the intron before coding-DNA position 1109, A replaced by G.
Molecular consequence: intron variant. On other transcripts: non-coding transcript variant (1).
Genome position (GRCh38, 1-based): chr3:12,591,802, T>C on the plus strand (A>G on the coding strand, the complement: RAF1 is on the minus strand). VCF-style: chr3-12591802-T-C. GRCh37 (hg19) VCF-style: chr3-12633301-T-C.
Other names: c.767-10A>G (NM_001354695.3); c.866-10A>G (NM_001354692.3, NM_001354691.3); c.926-10A>G (NM_001354694.3); c.1010-10A>G (NM_001354693.3); c.1169-10A>G (NM_001354689.3); c.1109-10A>G (NM_001354690.3).
Identifiers: ClinVar variation 2194312 (VCV002194312.4), dbSNP rs2125348166, ClinGen allele CA2580068525.
Genomic context (GRCh38, chr3:12,591,802, plus strand): 5'-ATTGCTCTGGGGTTGGGTCGACAACCTTTAGGATCTTTACTGCAACATCTCCTGCAAAAT[T>C]AGTTGGCAGTCAGTGCAATCAGTTGAATGATCTCAGTCTTTCAAATAACCTAGTTTTGAG-3'